The following is an entry in ClinVar:

NM_001379451.1(BCORL1):c.902C>G (p.Ala301Gly)

Gene: BCORL1 (BCL6 corepressor like 1; plus strand). Cytogenetic location: Xq26.1.
Variant type: single nucleotide variant.
Coding change: c.902C>G on transcript NM_001379451.1 (MANE Select); coding-DNA position 902, C replaced by G.
Protein change: p.Ala301Gly; replaces alanine 301 with glycine.
Molecular consequence: missense variant.
Genome position (GRCh38, 1-based): chrX:130,013,674, C>G. VCF-style: chrX-130013674-C-G. GRCh37 (hg19) VCF-style: chrX-129147650-C-G.
Other names: c.902C>G, p.Ala301Gly (NM_001184772.3, NM_001379450.1, NM_021946.5); short protein forms A301G.
Identifiers: ClinVar variation 451022 (VCV000451022.3), dbSNP rs1257942270, ClinGen allele CA414577319.

ClinVar aggregate classification (germline): Uncertain significance (1 of 4 stars; one submission).

Allele frequency attached by ClinVar (database versions not stated): gnomAD exomes below 0.00001 and 0.00001.
gnomAD v4.1: 1 of 1,211,463 alleles (0.000083%); highest among the groups gnomAD compares: Non-Finnish European, 0.00011%; no homozygotes.

Submission:

GeneDx
Classification: Uncertain significance. Last evaluated: 2019-11-19. Review status: criteria provided, single submitter. Criteria: GeneDx Variant Classification Process June 2021. Collection method: clinical testing. Allele origin: germline. Affected: yes.
Comment: Not observed at a significant frequency in large population cohorts (Lek et al., 2016); In silico analysis, which includes protein predictors and evolutionary conservation, supports that this variant does not alter protein structure/function; In silico analysis, which includes splice predictors and evolutionary conservation, suggests this variant may impact gene splicing. In the absence of RNA/functional studies, the actual effect of this sequence change is unknown.